The following is an entry in ClinVar:

NM_001330588.2(TPP2):c.340A>G (p.Ile114Val)

Gene: TPP2 (tripeptidyl peptidase 2; plus strand). Cytogenetic location: 13q33.1.
Variant type: single nucleotide variant.
Coding change: c.340A>G on transcript NM_001330588.2 (MANE Select); coding-DNA position 340, A replaced by G.
Protein change: p.Ile114Val; replaces isoleucine 114 with valine.
Molecular consequence: missense variant. On other transcripts: non-coding transcript variant (1).
Genome position (GRCh38, 1-based): chr13:102,614,146, A>G. VCF-style: chr13-102614146-A-G. GRCh37 (hg19) VCF-style: chr13-103266496-A-G.
Other names: c.340A>G, p.Ile114Val (NM_001367947.1, NM_003291.4); short protein forms I114V.
Identifiers: ClinVar variation 1025506 (VCV001025506.4), dbSNP rs760464628, ClinGen allele CA7037486.

ClinVar aggregate classification (germline): Uncertain significance (1 of 4 stars; one submission).

Conditions:
Evans syndrome, immunodeficiency, and premature immunosenescence associated with tripeptidyl-peptidase II deficiency. Identifiers: MedGen CN231723. Disease mechanism: loss of function.

Allele frequency attached by ClinVar (database versions not stated): gnomAD 0.00001; gnomAD exomes 0.00001 and 0.00002; ExAC 0.00002; TOPMed 0.00002.
gnomAD v4.1: 15 of 1,613,560 alleles (0.00093%); highest among the groups gnomAD compares: Middle Eastern, 0.082%; no homozygotes.

Submission:

Labcorp Genetics (formerly Invitae), Labcorp
Classification: Uncertain significance for Evans syndrome, immunodeficiency, and premature immunosenescence associated with tripeptidyl-peptidase II deficiency. Last evaluated: 2022-09-13. Review status: criteria provided, single submitter. Criteria: Invitae Variant Classification Sherloc (09022015). Collection method: clinical testing. Allele origin: germline.
Comment: This sequence change replaces isoleucine, which is neutral and non-polar, with valine, which is neutral and non-polar, at codon 114 of the TPP2 protein (p.Ile114Val). This variant is present in population databases (rs760464628, gnomAD 0.009%). This variant has not been reported in the literature in individuals affected with TPP2-related conditions. ClinVar contains an entry for this variant (Variation ID: 1025506). Algorithms developed to predict the effect of missense changes on protein structure and function (SIFT, PolyPhen-2, Align-GVGD) all suggest that this variant is likely to be tolerated. In summary, the available evidence is currently insufficient to determine the role of this variant in disease. Therefore, it has been classified as a Variant of Uncertain Significance.